The following is an entry in ClinVar:

ClinVar aggregate classification (germline): Uncertain significance (1 of 4 stars; one submission).

Conditions:
Fanconi anemia (FA). Also called: Fanconi's anemia. Identifiers: Orphanet 84, MedGen C0015625, MeSH D005199, MONDO:0019391.

Submission:

Labcorp Genetics (formerly Invitae), Labcorp
Classification: Uncertain significance for Fanconi anemia. Last evaluated: 2021-09-02. Review status: criteria provided, single submitter. Criteria: Invitae Variant Classification Sherloc (09022015). Collection method: clinical testing. Allele origin: germline.
Comment: This sequence change replaces asparagine with histidine at codon 1391 of the FANCD2 protein (p.Asn1391His). The asparagine residue is highly conserved and there is a small physicochemical difference between asparagine and histidine. This variant is not present in population databases (ExAC no frequency). This variant has not been reported in the literature in individuals affected with FANCD2-related conditions. Algorithms developed to predict the effect of missense changes on protein structure and function are either unavailable or do not agree on the potential impact of this missense change (SIFT: "Deleterious"; PolyPhen-2: "Probably Damaging"; Align-GVGD: "Class C0"). In summary, the available evidence is currently insufficient to determine the role of this variant in disease. Therefore, it has been classified as a Variant of Uncertain Significance.

NM_001018115.3(FANCD2):c.4171A>C (p.Asn1391His)

Genes: FANCD2 (FA complementation group D2; plus strand), FANCD2OS (FANCD2 opposite strand; minus strand). Cytogenetic location: 3p25.3.
Variant type: single nucleotide variant.
Coding change: c.4171A>C on transcript NM_001018115.3 (MANE Select); coding-DNA position 4171, A replaced by C.
Protein change: p.Asn1391His; replaces asparagine 1391 with histidine.
Molecular consequence: missense variant. On other transcripts: intron variant (1).
Genome position (GRCh38, 1-based): chr3:10,096,458, A>C. VCF-style: chr3-10096458-A-C. GRCh37 (hg19) VCF-style: chr3-10138142-A-C.
Other names: c.4171A>C, p.Asn1391His (NM_001319984.2, NM_033084.6); c.4060A>C, p.Asn1354His (NM_001374253.1); c.4132A>C, p.Asn1378His (NM_001374254.1); c.*43+7740T>G (NM_173472.2); short protein forms N1354H, N1378H, N1391H.
Identifiers: ClinVar variation 936294 (VCV000936294.8), dbSNP rs1694972063, ClinGen allele CA351758030.